The following is an entry in ClinVar:

NM_000535.7(PMS2):c.2487A>G (p.Lys829=)

Gene: PMS2 (PMS1 homolog 2, mismatch repair system component; minus strand). Cytogenetic location: 7p22.1.
Variant type: single nucleotide variant.
Coding change: c.2487A>G on transcript NM_000535.7 (MANE Select); coding-DNA position 2487, A replaced by G.
Protein change: p.Lys829=; no amino-acid change (lysine 829 retained).
Molecular consequence: synonymous variant. On other transcripts: non-coding transcript variant (1).
Genome position (GRCh38, 1-based): chr7:5,973,501, T>C on the plus strand (A>G on the coding strand, the complement: PMS2 is on the minus strand). VCF-style: chr7-5973501-T-C. GRCh37 (hg19) VCF-style: chr7-6013132-T-C.
Other names: c.2082A>G, p.Lys694= (NM_001322003.2, NM_001322004.2, NM_001322005.2); c.2331A>G, p.Lys777= (NM_001322006.2); c.2169A>G, p.Lys723= (NM_001322007.2, NM_001322008.2); c.2115A>G, p.Lys705= (NM_001322009.2); c.1926A>G, p.Lys642= (NM_001322010.2); c.1554A>G, p.Lys518= (NM_001322011.2, NM_001322012.2); c.1914A>G, p.Lys638= (NM_001322013.2); c.2520A>G, p.Lys840= (NM_001322014.2); and 1 more.
Identifiers: ClinVar variation 1113211 (VCV001113211.12), dbSNP rs2128658551, ClinGen allele CA453642126.

ClinVar aggregate classification (germline): Benign/Likely benign. Review status: criteria provided, multiple submitters, no conflicts (2 of 4 stars). 3 submissions from 3 submitters: Benign (1); Likely benign (2). Last evaluated 2026-01-25.

Conditions:
Hereditary nonpolyposis colorectal neoplasms. Identifiers: MedGen C0009405, MeSH D003123.
Hereditary cancer-predisposing syndrome. Also called: Tumor predisposition; Hereditary Cancer Syndrome; Neoplastic Syndromes, Hereditary; Hereditary neoplastic syndrome. Identifiers: Orphanet 140162, MedGen C0027672, MeSH D009386, MONDO:0015356.
Lynch syndrome 4 (LYNCH4). Also called: Colorectal cancer, hereditary nonpolyposis, type 4; Hereditary non-polyposis colorectal cancer, type 4. Identifiers: Orphanet 144, MedGen C1838333, MONDO:0013699, OMIM 614337. Disease mechanism: loss of function.

Submissions (3):

Labcorp Genetics (formerly Invitae), Labcorp
Classification: Likely benign for Hereditary nonpolyposis colorectal neoplasms. Last evaluated: 2026-01-25. Review status: criteria provided, single submitter. Criteria: Invitae Variant Classification Sherloc (09022015). Collection method: clinical testing. Allele origin: germline.

Myriad Genetics, Inc.
Classification: Benign for Lynch syndrome 4. Last evaluated: 2025-02-04. Review status: criteria provided, single submitter. Criteria: Myriad Autosomal Dominant, Autosomal Recessive and X-Linked Classification Criteria (2023). Collection method: clinical testing. Allele origin: unknown.
Comment: This variant is considered benign. This variant is a silent/synonymous amino acid change and it is not expected to impact splicing.

Ambry Genetics
Classification: Likely benign for Hereditary cancer-predisposing syndrome. Last evaluated: 2022-02-13. Review status: criteria provided, single submitter. Criteria: Ambry Variant Classification Scheme 2023. Collection method: clinical testing. Allele origin: germline.